The following is an entry in ClinVar:

ClinVar aggregate classification (germline): Uncertain significance (1 of 4 stars; one submission).

Conditions:
Hereditary cancer-predisposing syndrome. Also called: Neoplastic Syndromes, Hereditary; Tumor predisposition; Hereditary Cancer Syndrome; Hereditary neoplastic syndrome. Identifiers: Orphanet 140162, MedGen C0027672, MeSH D009386, MONDO:0015356.

Submission:

Ambry Genetics
Classification: Uncertain significance for Hereditary cancer-predisposing syndrome. Last evaluated: 2026-03-14. Review status: criteria provided, single submitter. Criteria: Ambry Variant Classification Scheme 2023. Collection method: clinical testing. Allele origin: germline.
Comment: The p.A2G variant (also known as c.5C>G), located in coding exon 1 of the FANCC gene, results from a C to G substitution at nucleotide position 5. The alanine at codon 2 is replaced by glycine, an amino acid with similar properties. This amino acid position is conserved. In addition, the in silico prediction for this alteration is inconclusive. Based on the available evidence, the clinical significance of this variant remains unclear.

NM_000136.3(FANCC):c.5C>G (p.Ala2Gly)

Gene: FANCC (FA complementation group C; minus strand). Cytogenetic location: 9q22.32.
Variant type: single nucleotide variant.
Coding change: c.5C>G on transcript NM_000136.3 (MANE Select); coding-DNA position 5, C replaced by G.
Protein change: p.Ala2Gly; replaces alanine 2 with glycine.
Molecular consequence: missense variant.
Genome position (GRCh38, 1-based): chr9:95,249,287, G>C on the plus strand (C>G on the coding strand, the complement: FANCC is on the minus strand). VCF-style: chr9-95249287-G-C. GRCh37 (hg19) VCF-style: chr9-98011569-G-C.
Other names: c.5C>G, p.Ala2Gly (NM_001243743.2, NM_001243744.2); short protein forms A2G.
Identifiers: ClinVar variation 4828898 (VCV004828898.1).